The following is an entry in ClinVar:

ClinVar aggregate classification (germline): Uncertain significance (1 of 4 stars; one submission).

Conditions:
Perlman syndrome (PRLMNS). Identifiers: Orphanet 2849, MedGen C0796113, MONDO:0009965, OMIM 267000.

Submission:

Labcorp Genetics (formerly Invitae), Labcorp
Classification: Uncertain significance for Perlman syndrome. Last evaluated: 2021-11-03. Review status: criteria provided, single submitter. Criteria: Invitae Variant Classification Sherloc (09022015). Collection method: clinical testing. Allele origin: germline.
Comment: This variant is not present in population databases (gnomAD no frequency). In summary, the available evidence is currently insufficient to determine the role of this variant in disease. Therefore, it has been classified as a Variant of Uncertain Significance. Algorithms developed to predict the effect of missense changes on protein structure and function (SIFT, PolyPhen-2, Align-GVGD) all suggest that this variant is likely to be disruptive. This variant has not been reported in the literature in individuals affected with DIS3L2-related conditions. This sequence change replaces leucine, which is neutral and non-polar, with proline, which is neutral and non-polar, at codon 587 of the DIS3L2 protein (p.Leu587Pro).

NM_152383.5(DIS3L2):c.1760T>C (p.Leu587Pro)

Gene: DIS3L2 (DIS3 like 3'-5' exoribonuclease 2; plus strand). Cytogenetic location: 2q37.1.
Variant type: single nucleotide variant.
Coding change: c.1760T>C on transcript NM_152383.5 (MANE Select); coding-DNA position 1760, T replaced by C.
Protein change: p.Leu587Pro; replaces leucine 587 with proline.
Molecular consequence: missense variant. On other transcripts: intron variant (1).
Genome position (GRCh38, 1-based): chr2:232,329,833, T>C. VCF-style: chr2-232329833-T-C. GRCh37 (hg19) VCF-style: chr2-233194543-T-C.
Other names: c.1582-13512T>C (NM_001257281.2); short protein forms L587P.
Identifiers: ClinVar variation 1515609 (VCV001515609.6), dbSNP rs2106347851, ClinGen allele CA350975964.
Genomic context (GRCh38, chr2:232,329,833, plus strand): 5'-AAACCCCAGCGGTCCCTCCCATCCCACCCACCCTCTGCAGGCTCGTGGAGGAGTTCATGC[T>C]CTTGGCCAACATGGCAGTGGCCCACAAGATCCACCGCGCCTTCCCCGAGCAGGCCCTGCT-3'
Protein context (NP_689596.4, residues 577-597): ESNKLVEEFM[Leu587Pro]LANMAVAHKI